The following is an entry in ClinVar:

ClinVar aggregate classification (germline): Pathogenic (1 of 4 stars; one submission).

Conditions:
Myopathy, centronuclear, 5 (CNM5). Identifiers: Orphanet 169186, MedGen C4014814, MONDO:0014418, OMIM 615959.

Submission:

Women's Health and Genetics/Laboratory Corporation of America, LabCorp
Classification: Pathogenic for Myopathy, centronuclear, 5. Last evaluated: 2024-08-23. Review status: criteria provided, single submitter. Criteria: LabCorp Variant Classification Summary - May 2015. Collection method: clinical testing. Allele origin: germline.
Comment: Variant summary: SPEG c.4360_4375del16 (p.Val1454TrpfsX67) results in a premature termination codon, predicted to cause a truncation of the encoded protein or absence of the protein due to nonsense mediated decay, which are commonly known mechanisms for disease. The variant was absent in 249354 control chromosomes. To our knowledge, no occurrence of c.4360_4375del16 in individuals affected with Myopathy, Centronuclear, 5 and no experimental evidence demonstrating its impact on protein function have been reported. No submitters have cited clinical-significance assessments for this variant to ClinVar. Based on the evidence outlined above, the variant was classified as pathogenic.

NM_005876.5(SPEG):c.4360_4375del (p.Val1454fs)

Gene: SPEG (striated muscle enriched protein kinase; plus strand). Cytogenetic location: 2q35.
Variant type: Deletion.
Coding change: c.4360_4375del on transcript NM_005876.5 (MANE Select); coding-DNA positions 4360 to 4375, 16 bases deleted (GTGAGCCGCCGGGACA).
Protein change: p.Val1454fs; shifts the reading frame from valine 1454.
Molecular consequence: frameshift variant.
Genome position (GRCh38, 1-based): chr2:219,473,816-219,473,831, GTGAGCCGCCGGGACA deleted. VCF-style (leftmost placement, unchanged base first): chr2-219473815-GGTGAGCCGCCGGGACA-G. GRCh37 (hg19) VCF-style: chr2-220338537-GGTGAGCCGCCGGGACA-G.
Other names: c.4360_4375del16 (NM_005876.5); short protein forms V1454fs.
Identifiers: ClinVar variation 3366614 (VCV003366614.1).